The following is an entry in ClinVar:

ClinVar aggregate classification (germline): Uncertain significance (1 of 4 stars; one submission).

Conditions:
EYS-related disorder. Also called: EYS-related condition.

Submission:

PreventionGenetics, part of Exact Sciences
Classification: Uncertain significance for EYS-related condition. Last evaluated: 2025-12-26. Review status: criteria provided, single submitter. Criteria: ACMG Guidelines, 2015. Collection method: clinical testing. Allele origin: germline.
Comment: The EYS c.3682A>C variant is predicted to result in the amino acid substitution p.Met1228Leu. To our knowledge, this variant has not been reported in the literature. This variant is absent in a large population database (gnomAD), indicating this variant is rare. At this time, the clinical significance of this variant is uncertain due to the absence of conclusive functional and genetic evidence.

NM_001142800.2(EYS):c.3682A>C (p.Met1228Leu)

Gene: EYS (EGF-like photoreceptor maintenance factor; minus strand). Cytogenetic location: 6q12.
Variant type: single nucleotide variant.
Coding change: c.3682A>C on transcript NM_001142800.2 (MANE Select); coding-DNA position 3682, A replaced by C.
Protein change: p.Met1228Leu; replaces methionine 1228 with leucine.
Molecular consequence: missense variant.
Genome position (GRCh38, 1-based): chr6:64,617,420, T>G on the plus strand (A>C on the coding strand, the complement: EYS is on the minus strand). VCF-style: chr6-64617420-T-G. GRCh37 (hg19) VCF-style: chr6-65327313-T-G.
Other names: c.3682A>C, p.Met1228Leu (NM_001292009.2); short protein forms M1228L.
Identifiers: ClinVar variation 4995609 (VCV004995609.1).